The following is an entry in ClinVar:

ClinVar aggregate classification (germline): Pathogenic (1 of 4 stars; one submission).

Submission:

Labcorp Genetics (formerly Invitae), Labcorp
Classification: Pathogenic. Last evaluated: 2022-03-23. Review status: criteria provided, single submitter. Criteria: Invitae Variant Classification Sherloc (09022015). Collection method: clinical testing. Allele origin: germline.
Comment: This sequence change creates a premature translational stop signal (p.Ser2776Valfs*8) in the SZT2 gene. It is expected to result in an absent or disrupted protein product. Loss-of-function variants in SZT2 are known to be pathogenic (PMID: 23932106, 27248490, 28556953). For these reasons, this variant has been classified as Pathogenic. Algorithms developed to predict the effect of sequence changes on RNA splicing suggest that this variant may disrupt the consensus splice site. ClinVar contains an entry for this variant (Variation ID: 967233). This variant has not been reported in the literature in individuals affected with SZT2-related conditions. This variant is not present in population databases (gnomAD no frequency).

Literature cited by the submitters: PubMed 23932106; PubMed 27248490; PubMed 28556953.

NM_001365999.1(SZT2):c.8497del (p.Ser2833fs)

Gene: SZT2 (SZT2 subunit of KICSTOR complex; plus strand). Cytogenetic location: 1p34.2.
Variant type: Deletion.
Coding change: c.8497del on transcript NM_001365999.1 (MANE Select); coding-DNA position 8497, one base deleted (A; older notation c.8497delA).
Protein change: p.Ser2833fs; shifts the reading frame from serine 2833.
Molecular consequence: frameshift variant.
Genome position (GRCh38, 1-based): chr1:43,443,265, A deleted. VCF-style (leftmost placement, unchanged base first): chr1-43443264-CA-C. GRCh37 (hg19) VCF-style: chr1-43908935-CA-C.
Other names: c.8326del, p.Ser2776fs (NM_015284.4); short protein forms S2776fs, S2833fs.
Identifiers: ClinVar variation 967233 (VCV000967233.8), dbSNP rs1655275276, ClinGen allele CA1139656081.